The following is an entry in ClinVar:

NM_000138.5(FBN1):c.2659T>A (p.Cys887Ser)

Gene: FBN1 (fibrillin 1; minus strand). Cytogenetic location: 15q21.1.
Variant type: single nucleotide variant.
Coding change: c.2659T>A on transcript NM_000138.5 (MANE Select); coding-DNA position 2659, T replaced by A.
Protein change: p.Cys887Ser; replaces cysteine 887 with serine.
Molecular consequence: missense variant.
Genome position (GRCh38, 1-based): chr15:48,495,141, A>T on the plus strand (T>A on the coding strand, the complement: FBN1 is on the minus strand). VCF-style: chr15-48495141-A-T. GRCh37 (hg19) VCF-style: chr15-48787338-A-T.
Other names: short protein forms C887S.
Identifiers: ClinVar variation 1452274 (VCV001452274.6), dbSNP rs2141303537, ClinGen allele CA392332035.

ClinVar aggregate classification (germline): Pathogenic (1 of 4 stars; one submission).

Conditions:
Marfan syndrome (MFS). Also called: MARFAN SYNDROME, TYPE I; Marfan syndrome type 1; Marfan's syndrome; Marfan syndrome, classic; FBN1-Related Marfan Syndrome. Identifiers: Orphanet 284963, Orphanet 558, MedGen C0024796, MONDO:0007947, OMIM 154700.
Familial thoracic aortic aneurysm and aortic dissection (TAAD). Also called: Thoracic aortic aneurysms and dissections. Identifiers: Orphanet 91387, MedGen C4707243, MONDO:0019625.

Submission:

Labcorp Genetics (formerly Invitae), Labcorp
Classification: Pathogenic for Marfan syndrome; Familial thoracic aortic aneurysm and aortic dissection. Last evaluated: 2021-11-26. Review status: criteria provided, single submitter. Criteria: Invitae Variant Classification Sherloc (09022015). Collection method: clinical testing. Allele origin: germline.
Comment: This variant affects a cysteine residue in the EGF-like, TGFBP or hybrid motif domains of FBN1. Cysteine residues are believed to be involved in intramolecular disulfide bridges and have been shown to be important for FBN1 protein structure (PMID: 16905551, 19349279). In addition, missense substitutions affecting cysteine residues within these domains are significantly overrepresented among patients with Marfan syndrome (PMID: 16571647, 17701892). Advanced modeling of protein sequence and biophysical properties (such as structural, functional, and spatial information, amino acid conservation, physicochemical variation, residue mobility, and thermodynamic stability) performed at Invitae indicates that this missense variant is expected to disrupt FBN1 protein function. This missense change has been observed in individuals with clinical features of Marfan syndrome (PMID: 27906200; Invitae). This variant is not present in population databases (gnomAD no frequency). This sequence change replaces cysteine, which is neutral and slightly polar, with serine, which is neutral and polar, at codon 887 of the FBN1 protein (p.Cys887Ser). This variant disrupts the p.Cys887 amino acid residue in FBN1. Other variant(s) that disrupt this residue have been observed in individuals with FBN1-related conditions (PMID: 23684891, 27906200, 29907982), which suggests that this may be a clinically significant amino acid residue. For these reasons, this variant has been classified as Pathogenic.

Literature cited by the submitters: PubMed 16905551; PubMed 19349279; PubMed 16571647; PubMed 17701892; PubMed 27906200; PubMed 23684891; PubMed 29907982.